The following is an entry in ClinVar:

ClinVar aggregate classification (germline): Likely benign (1 of 4 stars; one submission).

Allele frequency attached by ClinVar (database versions not stated): gnomAD 0.00293; TOPMed 0.00347; 1000 Genomes Project 0.00371; 1000 Genomes Project 30x 0.00416.
gnomAD v4.1: 324 of 111,751 alleles (0.29%); highest among the groups gnomAD compares: African/African-American, 0.99%; 1 homozygote.

Submission:

GeneDx
Classification: Likely benign. Last evaluated: 2019-08-18. Review status: criteria provided, single submitter. Criteria: GeneDx Variant Classification Process June 2021. Collection method: clinical testing. Allele origin: germline. Affected: yes.
Comment: See Variant Classification Assertion Criteria.

NM_000397.4(CYBB):c.337+157T>A

Gene: CYBB (cytochrome b-245 beta chain; plus strand). Cytogenetic location: Xp21.1.
Variant type: single nucleotide variant.
Coding change: c.337+157T>A on transcript NM_000397.4 (MANE Select); 157 bases into the intron after coding-DNA position 337, T replaced by A.
Molecular consequence: intron variant.
Genome position (GRCh38, 1-based): chrX:37,792,216, T>A. VCF-style: chrX-37792216-T-A. GRCh37 (hg19) VCF-style: chrX-37651469-T-A.
Identifiers: ClinVar variation 1706740 (VCV001706740.2), dbSNP rs35651685, ClinGen allele CA328040988.
Genomic context (GRCh38, chrX:37,792,216, plus strand): 5'-TGGTGGTTGGATATGTTGTATTTTTTTAATGAGTTTTGCTCAAAAGTATTTACCACACTT[T>A]CTGCCACTTCAATATTAGGATTTATTCCTTTAGGTTTTAAAGCATTTTTATTTCAGGATT-3'